The following is an entry in ClinVar:

NM_001846.4(COL4A2):c.1375G>A (p.Ala459Thr)

Genes: COL4A2 (collagen type IV alpha 2 chain; plus strand), COL4A2-AS2 (COL4A2 antisense RNA 2; minus strand). Cytogenetic location: 13q34.
Variant type: single nucleotide variant.
Coding change: c.1375G>A on transcript NM_001846.4 (MANE Select); coding-DNA position 1375, G replaced by A.
Protein change: p.Ala459Thr; replaces alanine 459 with threonine.
Molecular consequence: missense variant.
Genome position (GRCh38, 1-based): chr13:110,457,378, G>A. VCF-style: chr13-110457378-G-A. GRCh37 (hg19) VCF-style: chr13-111109725-G-A.
Other names: p.Ala459Thr; short protein forms A459T.
Identifiers: ClinVar variation 311126 (VCV000311126.51), dbSNP rs202017641, ClinGen allele CA7049504.

ClinVar aggregate classification (germline): Benign/Likely benign. Review status: criteria provided, multiple submitters, no conflicts (2 of 4 stars). 7 submissions from 7 submitters: Benign (2); Likely benign (4). 1 of the submissions does not count toward it. Last evaluated 2025-07-31.

Conditions:
Inborn genetic diseases. Identifiers: MedGen C0950123, MeSH D030342.
COL4A2-related disorder. Also called: COL4A2-related disorders; COL4A2-related condition.
Brain small vessel disease 2A, autosomal dominant. Also called: Porencephaly 2. Identifiers: Orphanet 2940, Orphanet 99810, MedGen C3280970, MONDO:0013773, OMIM 614483.

Allele frequency attached by ClinVar (database versions not stated): 1000 Genomes Project 0.00080; 1000 Genomes Project 30x 0.00094; gnomAD 0.00179 and 0.00186; TOPMed 0.00202; ExAC 0.00212; ESP Exome Variant Server 0.00257.
gnomAD v4.1: 3,946 of 1,613,230 alleles (0.24%); highest among the groups gnomAD compares: Non-Finnish European, 0.3%; 16 homozygotes.

Submissions (7):

Mayo Clinic Laboratories, Mayo Clinic
Classification: Benign. Last evaluated: 2025-07-31. Review status: criteria provided, single submitter. Criteria: ACMG Guidelines, 2015. Collection method: clinical testing. Allele origin: germline. Observed: 2 variant alleles.
Comment: BS1, BS2, BP4

CeGaT Center for Human Genetics Tuebingen
Classification: Likely benign. Last evaluated: 2025-02-01. Review status: criteria provided, single submitter. Criteria: CeGaT Center For Human Genetics Tuebingen Variant Classification Criteria Version 2. Collection method: clinical testing. Allele origin: germline. Affected: yes. Observed: 10 variant alleles.
Comment: COL4A2: BP4, BS2

Blueprint Genetics
Classification: Likely benign. Last evaluated: 2024-11-25. Review status: criteria provided, single submitter. Criteria: ACMG Guidelines, 2015. Collection method: clinical testing. Allele origin: germline.

Ambry Genetics
Classification: Likely benign for Inborn genetic diseases. Last evaluated: 2022-03-28. Review status: criteria provided, single submitter. Criteria: Ambry Variant Classification Scheme 2023. Collection method: clinical testing. Allele origin: germline.

Labcorp Genetics (formerly Invitae), Labcorp
Classification: Likely benign. Last evaluated: 2019-12-31. Review status: criteria provided, single submitter. Criteria: Invitae Variant Classification Sherloc (09022015). Collection method: clinical testing. Allele origin: germline.

Illumina Laboratory Services, Illumina
Classification: Benign for Brain small vessel disease 2A, autosomal dominant. Last evaluated: 2018-01-13. Review status: criteria provided, single submitter. Criteria: ICSL Variant Classification Criteria 13 December 2019. Collection method: clinical testing. Allele origin: germline.
Comment: This variant was observed in the ICSL laboratory as part of a predisposition screen in an ostensibly healthy population. It had not been previously curated by ICSL or reported in the Human Gene Mutation Database (HGMD: prior to June 1st, 2018), and was therefore a candidate for classification through an automated scoring system. Utilizing variant allele frequency, disease prevalence and penetrance estimates, and inheritance mode, an automated score was calculated to assess if this variant is too frequent to cause the disease. Based on the score and internal cut-off values, a variant classified as benign is not then subjected to further curation. The score for this variant resulted in a classification of benign for this disease.

PreventionGenetics, part of Exact Sciences
Classification: Likely benign for COL4A2-related condition. Last evaluated: 2019-06-14. Review status: no assertion criteria provided. Collection method: clinical testing. Allele origin: germline. Not counted in ClinVar's aggregate classification.
Comment: This variant is classified as likely benign based on ACMG/AMP sequence variant interpretation guidelines (Richards et al. 2015 PMID: 25741868, with internal and published modifications).